The following is an entry in ClinVar:

ClinVar aggregate classification (germline): Benign/Likely benign. Review status: criteria provided, multiple submitters, no conflicts (2 of 4 stars). 6 submissions from 6 submitters: Benign (2); Likely benign (3). 1 of the submissions does not count toward it. Last evaluated 2026-01-28.

Conditions:
HYCC1-related disorder. Also called: HYCC1-related condition.
Hypomyelination and Congenital Cataract (HLD5). Also called: hypomyelinating leukodystrophy 5. Identifiers: Orphanet 85163, MedGen C1864663, MONDO:0012514, OMIM 610532.

Allele frequency attached by ClinVar (database versions not stated): gnomAD exomes 0.00023 and 0.00091; gnomAD 0.00034 and 0.00040; TOPMed 0.00057; ExAC 0.00087; 1000 Genomes Project 30x 0.00187; 1000 Genomes Project 0.00200.
gnomAD v4.1: 411 of 1,603,486 alleles (0.026%); highest among the groups gnomAD compares: East Asian, 0.77%; 5 homozygotes.

Submissions (6):

Labcorp Genetics (formerly Invitae), Labcorp
Classification: Benign for Hypomyelination and Congenital Cataract. Last evaluated: 2026-01-28. Review status: criteria provided, single submitter. Criteria: Invitae Variant Classification Sherloc (09022015). Collection method: clinical testing. Allele origin: germline.

CeGaT Center for Human Genetics Tuebingen
Classification: Likely benign. Last evaluated: 2026-01-01. Review status: criteria provided, single submitter. Criteria: CeGaT Center For Human Genetics Tuebingen Variant Classification Criteria Version 2. Collection method: clinical testing. Allele origin: germline. Affected: yes. Observed: 1 variant allele.
Comment: HYCC1: BS1

Blueprint Genetics
Classification: Likely benign. Last evaluated: 2023-11-13. Review status: criteria provided, single submitter. Criteria: ACMG Guidelines, 2015. Collection method: clinical testing. Allele origin: germline.

GeneDx
Classification: Likely benign. Last evaluated: 2023-07-13. Review status: criteria provided, single submitter. Criteria: GeneDx Variant Classification Process June 2021. Collection method: clinical testing. Allele origin: germline. Affected: yes.
Comment: See Variant Classification Assertion Criteria.

Illumina Laboratory Services, Illumina
Classification: Benign for Hypomyelination and Congenital Cataract. Last evaluated: 2018-01-13. Review status: criteria provided, single submitter. Criteria: ICSL Variant Classification Criteria 13 December 2019. Collection method: clinical testing. Allele origin: germline.
Comment: This variant was observed in the ICSL laboratory as part of a predisposition screen in an ostensibly healthy population. It had not been previously curated by ICSL or reported in the Human Gene Mutation Database (HGMD: prior to June 1st, 2018), and was therefore a candidate for classification through an automated scoring system. Utilizing variant allele frequency, disease prevalence and penetrance estimates, and inheritance mode, an automated score was calculated to assess if this variant is too frequent to cause the disease. Based on the score and internal cut-off values, a variant classified as benign is not then subjected to further curation. The score for this variant resulted in a classification of benign for this disease.

PreventionGenetics, part of Exact Sciences
Classification: Benign for HYCC1-related condition. Last evaluated: 2019-05-02. Review status: no assertion criteria provided. Collection method: clinical testing. Allele origin: germline. Not counted in ClinVar's aggregate classification.
Comment: This variant is classified as benign based on ACMG/AMP sequence variant interpretation guidelines (Richards et al. 2015 PMID: 25741868, with internal and published modifications).

NM_032581.4(HYCC1):c.650G>A (p.Arg217Gln)

Gene: HYCC1 (hyccin PI4KA lipid kinase complex subunit 1; minus strand). Cytogenetic location: 7p15.3.
Variant type: single nucleotide variant.
Coding change: c.650G>A on transcript NM_032581.4 (MANE Select); coding-DNA position 650, G replaced by A.
Protein change: p.Arg217Gln; replaces arginine 217 with glutamine.
Molecular consequence: missense variant.
Genome position (GRCh38, 1-based): chr7:22,964,508, C>T on the plus strand (G>A on the coding strand, the complement: HYCC1 is on the minus strand). VCF-style: chr7-22964508-C-T. GRCh37 (hg19) VCF-style: chr7-23004127-C-T.
Other names: c.650G>A, p.Arg217Gln (NM_001363466.2, NM_001363467.2); short protein forms R217Q.
Identifiers: ClinVar variation 704056 (VCV000704056.21), dbSNP rs192409840, ClinGen allele CA4185944.